The following is an entry in ClinVar:

NM_016525.5(UBAP1):c.1364_1368delAAAAG (p.Glu455fs)

Gene: UBAP1 (ubiquitin associated protein 1; plus strand). Cytogenetic location: 9p13.3.
Variant type: Deletion.
Coding change: c.1364_1368delAAAAG on transcript NM_016525.5 (MANE Select); coding-DNA positions 1364 to 1368, 5 bases deleted (AAAAG).
Protein change: p.Glu455fs; shifts the reading frame from glutamic acid 455.
Molecular consequence: frameshift variant. On other transcripts: non-coding transcript variant (1).
Genome position (GRCh38, 1-based): chr9:34,250,755-34,250,759, AAAAG deleted; deleting any 5 consecutive bases within chr9:34,250,752-34,250,759 gives the same sequence; the c. name uses the placement nearest the transcript's 3' end. VCF-style (leftmost placement, unchanged base first): chr9-34250751-GAAGAA-G. GRCh37 (hg19) VCF-style: chr9-34250749-GAAGAA-G.
Other names: c.1364_1368delAAAAG, p.Glu455fs (NM_001171203.3, NM_001171204.3); c.1556_1560delAAAAG, p.Glu519fs (NM_001171201.1); c.1472_1476delAAAAG, p.Glu491fs (NM_001171202.1); c.1556_1560del (NM_001171201.1); short protein forms E455fs, E491fs, E519fs.
Identifiers: ClinVar variation 1700882 (VCV001700882.4), dbSNP rs2131638399, ClinGen allele CA2579325934.

ClinVar aggregate classification (germline): Uncertain significance. Review status: criteria provided, multiple submitters, no conflicts (2 of 4 stars). 2 submissions from 2 submitters: Uncertain significance (2). Last evaluated 2022-12-08.

Conditions:
Spastic paraplegia 80, autosomal dominant. Identifiers: Orphanet 631068, MedGen C5193084, MONDO:0032737, OMIM 618418.

Submissions (2):

Revvity Omics, Revvity
Classification: Uncertain significance for Spastic paraplegia 80, autosomal dominant. Last evaluated: 2022-12-08. Review status: criteria provided, single submitter. Criteria: ACMG Guidelines, 2015. Collection method: clinical testing. Allele origin: germline.

GeneDx
Classification: Uncertain significance. Last evaluated: 2022-02-12. Review status: criteria provided, single submitter. Criteria: GeneDx Variant Classification Process June 2021. Collection method: clinical testing. Allele origin: germline. Affected: yes.
Comment: Not observed at significant frequency in large population cohorts (gnomAD); Frameshift variant predicted to result in protein truncation as the last 48 amino acids are replaced with 11 different amino acids, although loss-of-function variants have not been reported downstream of this position in the protein; Has not been previously published as pathogenic or benign to our knowledge